The following is an entry in ClinVar:

NM_022124.6(CDH23):c.9311G>T (p.Gly3104Val)

Gene: CDH23 (cadherin related 23; plus strand). Cytogenetic location: 10q22.1.
Variant type: single nucleotide variant.
Coding change: c.9311G>T on transcript NM_022124.6 (MANE Select); coding-DNA position 9311, G replaced by T.
Protein change: p.Gly3104Val; replaces glycine 3104 with valine.
Molecular consequence: missense variant.
Genome position (GRCh38, 1-based): chr10:71,811,745, G>T. VCF-style: chr10-71811745-G-T. GRCh37 (hg19) VCF-style: chr10-73571502-G-T.
Other names: c.2591G>T, p.Gly864Val (NM_001171933.1, NM_001171934.1); c.9311G>T (NM_022124.5); short protein forms G864V, G3104V.
Identifiers: ClinVar variation 1041599 (VCV001041599.8), dbSNP rs376432892, ClinGen allele CA209442884.

ClinVar aggregate classification (germline): Uncertain significance. Review status: criteria provided, multiple submitters, no conflicts (2 of 4 stars). 3 submissions from 3 submitters: Uncertain significance (2). 1 of the submissions does not count toward it. Last evaluated 2023-06-21.

Conditions:
Inborn genetic diseases. Identifiers: MedGen C0950123, MeSH D030342.
Usher syndrome type 1 (USH1). Also called: RETINITIS PIGMENTOSA AND CONGENITAL DEAFNESS. Identifiers: Orphanet 231169, Orphanet 886, MedGen C1568247, MONDO:0010168, OMIM 276900.

Allele frequency attached by ClinVar (database versions not stated): gnomAD 0.00002; gnomAD exomes below 0.00001 and 0.00001; TOPMed 0.00002.
gnomAD v4.1: 9 of 1,580,874 alleles (0.00057%); highest among the groups gnomAD compares: African/African-American, 0.011%; no homozygotes.

Submissions (3):

Ambry Genetics
Classification: Uncertain significance for Inborn genetic diseases. Last evaluated: 2023-06-21. Review status: criteria provided, single submitter. Criteria: Ambry Variant Classification Scheme 2023. Collection method: clinical testing. Allele origin: germline.

Labcorp Genetics (formerly Invitae), Labcorp
Classification: Uncertain significance. Last evaluated: 2022-03-10. Review status: criteria provided, single submitter. Criteria: Invitae Variant Classification Sherloc (09022015). Collection method: clinical testing. Allele origin: germline.
Comment: This sequence change replaces glycine, which is neutral and non-polar, with valine, which is neutral and non-polar, at codon 3104 of the CDH23 protein (p.Gly3104Val). The frequency data for this variant in the population databases is considered unreliable, as metrics indicate poor data quality at this position in the gnomAD database. This variant has not been reported in the literature in individuals affected with CDH23-related conditions. ClinVar contains an entry for this variant (Variation ID: 1041599). Algorithms developed to predict the effect of missense changes on protein structure and function are either unavailable or do not agree on the potential impact of this missense change (SIFT: "Deleterious"; PolyPhen-2: "Not Available"; Align-GVGD: "Class C0"). In summary, the available evidence is currently insufficient to determine the role of this variant in disease. Therefore, it has been classified as a Variant of Uncertain Significance.

Natera, Inc.
Classification: Uncertain significance for Usher syndrome type 1. Last evaluated: 2021-02-02. Review status: no assertion criteria provided. Collection method: clinical testing. Allele origin: germline. Not counted in ClinVar's aggregate classification.